The following is an entry in ClinVar:

NM_000051.4(ATM):c.5297C>G (p.Pro1766Arg)

Gene: ATM (ATM serine/threonine kinase; plus strand). Cytogenetic location: 11q22.3.
Variant type: single nucleotide variant.
Coding change: c.5297C>G on transcript NM_000051.4 (MANE Select); coding-DNA position 5297, C replaced by G.
Protein change: p.Pro1766Arg; replaces proline 1766 with arginine.
Molecular consequence: missense variant.
Genome position (GRCh38, 1-based): chr11:108,301,767, C>G. VCF-style: chr11-108301767-C-G. GRCh37 (hg19) VCF-style: chr11-108172494-C-G.
Other names: c.5297C>G, p.Pro1766Arg (NM_001351834.2); short protein forms P1766R.
Identifiers: ClinVar variation 3894025 (VCV003894025.1).
Genomic context (GRCh38, chr11:108,301,767, plus strand): 5'-GACATAGTTTCTGGGAGATTTATAAGATGACAACAGATCCAATGCTGGCCTATCTACAGC[C>G]TTTTAGAACATCAAGAAAAAAGGTCTCTTAAGTAATAAATGTTTATTGAATACCCAGCAT-3'
Protein context (NP_000042.3, residues 1756-1776): TTDPMLAYLQ[Pro1766Arg]FRTSRKKFLE

ClinVar aggregate classification (germline): Uncertain significance (1 of 4 stars; one submission).

Conditions:
Hereditary cancer-predisposing syndrome. Also called: Neoplastic Syndromes, Hereditary; Tumor predisposition; Hereditary Cancer Syndrome; Hereditary neoplastic syndrome. Identifiers: Orphanet 140162, MedGen C0027672, MeSH D009386, MONDO:0015356.

Submission:

Color Diagnostics, LLC DBA Color Health
Classification: Uncertain significance for Hereditary cancer-predisposing syndrome. Last evaluated: 2024-08-05. Review status: criteria provided, single submitter. Criteria: ACMG Guidelines, 2015. Collection method: clinical testing. Allele origin: germline.
Comment: This missense variant replaces proline with arginine at codon 1766 of the ATM protein. Computational prediction suggests that this variant may have deleterious impact on protein structure and function (internally defined REVEL score threshold >= 0.7, PMID: 27666373). To our knowledge, functional studies have not been reported for this variant. This variant has not been reported in individuals affected with ATM-related disorders in the literature. This variant has not been identified in the general population by the Genome Aggregation Database (gnomAD). The available evidence is insufficient to determine the role of this variant in disease conclusively. Therefore, this variant is classified as a Variant of Uncertain Significance.